The following is an entry in ClinVar:

NM_000286.3(PEX12):c.580del (p.Arg194fs)

Gene: PEX12 (peroxisomal biogenesis factor 12; minus strand). Cytogenetic location: 17q12.
Variant type: Deletion.
Coding change: c.580del on transcript NM_000286.3 (MANE Select); coding-DNA position 580, one base deleted (A; older notation c.580delA).
Protein change: p.Arg194fs; shifts the reading frame from arginine 194.
Molecular consequence: frameshift variant.
Genome position (GRCh38, 1-based): chr17:35,577,138, T deleted on the plus strand (A on the coding strand, the reverse complement: PEX12 is on the minus strand). VCF-style (leftmost placement, unchanged base first): chr17-35577137-CT-C. GRCh37 (hg19) VCF-style: chr17-33904156-CT-C.
Other names: short protein forms R194fs.
Identifiers: ClinVar variation 5003504 (VCV005003504.1).

ClinVar aggregate classification (germline): Pathogenic (1 of 4 stars; one submission).

Conditions:
Peroxisome biogenesis disorder. Identifiers: Orphanet 79189, MedGen C1832200, MONDO:0019234. Disease mechanism: loss of function.

Submission:

Myriad Genetics, Inc.
Classification: Pathogenic for Peroxisome biogenesis disorder. Last evaluated: 2025-11-26. Review status: criteria provided, single submitter. Criteria: Myriad Autosomal Dominant, Autosomal Recessive and X-Linked Classification Criteria (2023). Collection method: clinical testing. Allele origin: unknown.
Comment: NM_000286.2(PEX12):c.580delA(R194Gfs*7) is a frameshift classified as pathogenic in the context of peroxisome biogenesis disorder type 3. R194Gfs*7 has not been observed in cases with relevant disease. Relevant functional assessments of this variant are not available in the literature. R194Gfs*7 has not been observed in referenced population frequency databases. In summary, NM_000286.2(PEX12):c.580delA(R194Gfs*7) is a frameshift in a gene where loss of function is a known mechanism of disease and is predicted to disrupt protein function. Please note: this variant was assessed in the context of healthy population screening.